The following is an entry in ClinVar:

NM_022369.4(STRA6):c.1900C>T (p.Arg634Cys)

Gene: STRA6 (signaling receptor and transporter of retinol STRA6; minus strand). Cytogenetic location: 15q24.1.
Variant type: single nucleotide variant.
Coding change: c.1900C>T on transcript NM_022369.4 (MANE Select); coding-DNA position 1900, C replaced by T.
Protein change: p.Arg634Cys; replaces arginine 634 with cysteine.
Molecular consequence: missense variant.
Genome position (GRCh38, 1-based): chr15:74,180,184, G>A on the plus strand (C>T on the coding strand, the complement: STRA6 is on the minus strand). VCF-style: chr15-74180184-G-A. GRCh37 (hg19) VCF-style: chr15-74472525-G-A.
Other names: c.1900C>T, p.Arg634Cys (NM_001142617.2, NM_001142618.2); c.1873C>T, p.Arg625Cys (NM_001142619.2); c.2011C>T, p.Arg671Cys (NM_001199040.2); c.1945C>T, p.Arg649Cys (NM_001199041.2); c.2017C>T, p.Arg673Cys (NM_001199042.2); short protein forms R625C, R634C, R649C, R671C, R673C.
Identifiers: ClinVar variation 2634038 (VCV002634038.2), dbSNP rs200178616, ClinGen allele CA7654395.

ClinVar aggregate classification (germline): Uncertain significance (1 of 4 stars; one submission).

Conditions:
STRA6-related disorder. Also called: STRA6-related condition.

Allele frequency attached by ClinVar (database versions not stated): ExAC 0.00018; 1000 Genomes Project 0.00020; gnomAD 0.00021; TOPMed 0.00021; 1000 Genomes Project 30x 0.00031.

Submission:

PreventionGenetics, part of Exact Sciences
Classification: Uncertain significance for STRA6-related condition. Last evaluated: 2025-09-18. Review status: criteria provided, single submitter. Criteria: ACMG Guidelines, 2015. Collection method: clinical testing. Allele origin: germline.
Comment: The STRA6 c.1900C>T variant is predicted to result in the amino acid substitution p.Arg634Cys. To our knowledge, this variant has not been reported in the literature. This variant is reported in 0.025% of alleles in individuals of European (Non-Finnish) descent in gnomAD. At this time, the clinical significance of this variant is uncertain due to the absence of conclusive functional and genetic evidence.